The following is an entry in ClinVar:

ClinVar aggregate classification (germline): Benign/Likely benign. Review status: criteria provided, multiple submitters, no conflicts (2 of 4 stars). 3 submissions from 3 submitters: Benign (1); Likely benign (2). Last evaluated 2024-11-26.

Conditions:
Hereditary cancer-predisposing syndrome. Also called: Neoplastic Syndromes, Hereditary; Hereditary neoplastic syndrome; Hereditary Cancer Syndrome; Tumor predisposition. Identifiers: Orphanet 140162, MedGen C0027672, MeSH D009386, MONDO:0015356.
Hereditary diffuse gastric adenocarcinoma (HDGC). Also called: DIFFUSE GASTRIC AND LOBULAR BREAST CANCER SYNDROME. Identifiers: Orphanet 26106, MedGen C1708349, MONDO:0007648, OMIM 137215.

Allele frequency attached by ClinVar (database versions not stated): TOPMed 0.00002.

Submissions (3):

Labcorp Genetics (formerly Invitae), Labcorp
Classification: Likely benign. Last evaluated: 2024-11-26. Review status: criteria provided, single submitter. Criteria: Invitae Variant Classification Sherloc (09022015). Collection method: clinical testing. Allele origin: germline.

Myriad Genetics, Inc.
Classification: Benign for Hereditary diffuse gastric adenocarcinoma. Last evaluated: 2024-10-09. Review status: criteria provided, single submitter. Criteria: Myriad Autosomal Dominant, Autosomal Recessive and X-Linked Classification Criteria (2023). Collection method: clinical testing. Allele origin: unknown.
Comment: This variant is considered benign. This variant is a silent/synonymous amino acid change and it is not expected to impact splicing.

Ambry Genetics
Classification: Likely benign for Hereditary cancer-predisposing syndrome. Last evaluated: 2022-11-15. Review status: criteria provided, single submitter. Criteria: Ambry Variant Classification Scheme 2023. Collection method: clinical testing. Allele origin: germline.

NM_001903.5(CTNNA1):c.318T>C (p.Ala106=)

Gene: CTNNA1 (catenin alpha 1; plus strand). Cytogenetic location: 5q31.2.
Variant type: single nucleotide variant.
Coding change: c.318T>C on transcript NM_001903.5 (MANE Select); coding-DNA position 318, T replaced by C.
Protein change: p.Ala106=; no amino-acid change (alanine 106 retained).
Molecular consequence: synonymous variant. On other transcripts: intron variant (1).
Genome position (GRCh38, 1-based): chr5:138,810,054, T>C. VCF-style: chr5-138810054-T-C. GRCh37 (hg19) VCF-style: chr5-138145743-T-C.
Other names: c.318T>C (NM_001903.2); c.318T>C, p.Ala106= (NM_001290307.3, NM_001323982.2, NM_001323983.1 and 3 more transcripts); c.9T>C, p.Ala3= (NM_001290309.3); c.-5-47T>C (NM_001290310.3).
Identifiers: ClinVar variation 1097779 (VCV001097779.11), dbSNP rs1307528530, ClinGen allele CA446590715.